The following is an entry in ClinVar:

NM_198271.5(LMOD3):c.466G>C (p.Asp156His)

Gene: LMOD3 (leiomodin 3; minus strand). Cytogenetic location: 3p14.1.
Variant type: single nucleotide variant.
Coding change: c.466G>C on transcript NM_198271.5 (MANE Select); coding-DNA position 466, G replaced by C.
Protein change: p.Asp156His; replaces aspartic acid 156 with histidine.
Molecular consequence: missense variant.
Genome position (GRCh38, 1-based): chr3:69,119,889, C>G on the plus strand (G>C on the coding strand, the complement: LMOD3 is on the minus strand). VCF-style: chr3-69119889-C-G. GRCh37 (hg19) VCF-style: chr3-69169040-C-G.
Other names: c.466G>C (NM_198271.3); c.466G>C, p.Asp156His (NM_001304418.3); short protein forms D156H.
Identifiers: ClinVar variation 857152 (VCV000857152.6), dbSNP rs371587555, ClinGen allele CA2488977.

ClinVar aggregate classification (germline): Uncertain significance. Review status: criteria provided, multiple submitters, no conflicts (2 of 4 stars). 3 submissions from 3 submitters: Uncertain significance (3). Last evaluated 2025-04-29.

Conditions:
Nemaline myopathy 10 (NEM10). Identifiers: MedGen C4015360, MONDO:0014513, OMIM 616165.
Inborn genetic diseases. Identifiers: MedGen C0950123, MeSH D030342.

Allele frequency attached by ClinVar (database versions not stated): gnomAD 0.00004; gnomAD exomes 0.00006 and 0.00001; ESP Exome Variant Server 0.00008; ExAC below 0.00001; TOPMed 0.00004.
gnomAD v4.1: 85 of 1,542,454 alleles (0.0055%); highest among the groups gnomAD compares: Non-Finnish European, 0.0073%; no homozygotes.

Submissions (3):

GeneDx
Classification: Uncertain significance. Last evaluated: 2025-04-29. Review status: criteria provided, single submitter. Criteria: GeneDx Variant Classification Process June 2021. Collection method: clinical testing. Allele origin: germline. Affected: yes.
Comment: Not observed at significant frequency in large population cohorts (gnomAD); In silico analysis indicates that this missense variant does not alter protein structure/function; Has not been previously published as pathogenic or benign to our knowledge

Ambry Genetics
Classification: Uncertain significance for Inborn genetic diseases. Last evaluated: 2023-08-14. Review status: criteria provided, single submitter. Criteria: Ambry Variant Classification Scheme 2023. Collection method: clinical testing. Allele origin: germline.

Labcorp Genetics (formerly Invitae), Labcorp
Classification: Uncertain significance for Nemaline myopathy 10. Last evaluated: 2022-07-26. Review status: criteria provided, single submitter. Criteria: Invitae Variant Classification Sherloc (09022015). Collection method: clinical testing. Allele origin: germline.
Comment: This sequence change replaces aspartic acid, which is acidic and polar, with histidine, which is basic and polar, at codon 156 of the LMOD3 protein (p.Asp156His). The frequency data for this variant in the population databases is considered unreliable, as metrics indicate poor data quality at this position in the gnomAD database. This variant has not been reported in the literature in individuals affected with LMOD3-related conditions. ClinVar contains an entry for this variant (Variation ID: 857152). Algorithms developed to predict the effect of missense changes on protein structure and function (SIFT, PolyPhen-2, Align-GVGD) all suggest that this variant is likely to be tolerated. In summary, the available evidence is currently insufficient to determine the role of this variant in disease. Therefore, it has been classified as a Variant of Uncertain Significance.